The following is an entry in ClinVar:

ClinVar aggregate classification (germline): Conflicting classifications of pathogenicity. Review status: criteria provided, conflicting classifications (1 of 4 stars). 4 submissions from 4 submitters: Uncertain significance (2); Likely benign (2). Last evaluated 2026-07-10.

Conditions:
Inborn genetic diseases. Identifiers: MedGen C0950123, MeSH D030342.
Developmental and epileptic encephalopathy, 42 (DEE42A). Also called: DEVELOPMENTAL AND EPILEPTIC ENCEPHALOPATHY 42A; Epileptic encephalopathy, early infantile, 42; EPILEPTIC ENCEPHALOPATHY, EARLY INFANTILE, 42A. Identifiers: MedGen C4310716, MONDO:0014917, OMIM 617106.
Episodic ataxia type 2 (EA2). Also called: ATAXIA, EPISODIC, WITH NYSTAGMUS; ATAXIA, FAMILIAL PAROXYSMAL; CEREBELLAR ATAXIA, PAROXYSMAL, ACETAZOLAMIDE-RESPONSIVE; CEREBELLOPATHY, HEREDITARY PAROXYSMAL; EPISODIC ATAXIA, NYSTAGMUS-ASSOCIATED; ACETAZOLAMIDE-RESPONSIVE HEREDITARY PAROXYSMAL CEREBELLAR ATAXIA. Identifiers: Orphanet 97, MedGen C1720416, MONDO:0007163, OMIM 108500.

Allele frequency attached by ClinVar (database versions not stated): gnomAD exomes 0.00004; gnomAD 0.00007 and 0.00009; TOPMed 0.00009; ExAC 0.00016.
gnomAD v4.1: 144 of 1,518,780 alleles (0.0095%); highest among the groups gnomAD compares: Non-Finnish European, 0.012%; no homozygotes.

Submissions (4):

Ambry Genetics
Classification: Likely benign for Inborn genetic diseases. Last evaluated: 2026-07-10. Review status: criteria provided, single submitter. Criteria: Ambry Variant Classification Scheme 2023. Collection method: clinical testing. Allele origin: germline.

Labcorp Genetics (formerly Invitae), Labcorp
Classification: Uncertain significance for Developmental and epileptic encephalopathy, 42; Episodic ataxia type 2. Last evaluated: 2026-01-31. Review status: criteria provided, single submitter. Criteria: Invitae Variant Classification Sherloc (09022015). Collection method: clinical testing. Allele origin: germline.
Comment: This sequence change replaces glycine, which is neutral and non-polar, with glutamic acid, which is acidic and polar, at codon 2016 of the CACNA1A protein (p.Gly2016Glu). This variant is present in population databases (rs772988279, gnomAD 0.01%). This missense change has been observed in individuals with clinical features of CACNA1A-related conditions (PMID: 33879512; internal data). ClinVar contains an entry for this variant (Variation ID: 585578). Invitae Evidence Modeling of protein sequence and biophysical properties (such as structural, functional, and spatial information, amino acid conservation, physicochemical variation, residue mobility, and thermodynamic stability) indicates that this missense variant is not expected to disrupt CACNA1A protein function with a negative predictive value of 95%. In summary, the available evidence is currently insufficient to determine the role of this variant in disease. Therefore, it has been classified as a Variant of Uncertain Significance.

CeGaT Center for Human Genetics Tuebingen
Classification: Likely benign. Last evaluated: 2025-12-01. Review status: criteria provided, single submitter. Criteria: CeGaT Center For Human Genetics Tuebingen Variant Classification Criteria Version 2. Collection method: clinical testing. Allele origin: germline. Affected: yes. Observed: 1 variant allele.
Comment: CACNA1A: BS2

Athena Diagnostics
Classification: Uncertain significance. Last evaluated: 2024-07-30. Review status: criteria provided, single submitter. Criteria: Athena Diagnostics Criteria. Collection method: clinical testing. Allele origin: unknown.
Comment: Available data are insufficient to determine the clinical significance of the variant at this time. The frequency of this variant in the general population is uninformative in assessment of its pathogenicity. This variant has been identified in at least one individual with clinical features associated with this gene. Polyphen and MutationTaster predict this amino acid change may be benign.

Literature cited by the submitters: PubMed 33879512 (cited by Labcorp Genetics (formerly Invitae), Labcorp and Athena Diagnostics).

NM_001127222.2(CACNA1A):c.6044G>A (p.Gly2015Glu)

Gene: CACNA1A (calcium voltage-gated channel subunit alpha1 A; minus strand). Cytogenetic location: 19p13.13.
Variant type: single nucleotide variant.
Coding change: c.6044G>A on transcript NM_001127222.2 (MANE Select); coding-DNA position 6044, G replaced by A.
Protein change: p.Gly2015Glu; replaces glycine 2015 with glutamic acid.
Molecular consequence: missense variant.
Genome position (GRCh38, 1-based): chr19:13,212,637, C>T on the plus strand (G>A on the coding strand, the complement: CACNA1A is on the minus strand). VCF-style: chr19-13212637-C-T. GRCh37 (hg19) VCF-style: chr19-13323451-C-T.
Other names: c.6062G>A, p.Gly2021Glu (NM_000068.4, NM_023035.3); c.6047G>A, p.Gly2016Glu (NM_001127221.2); c.6053G>A, p.Gly2018Glu (NM_001174080.2); short protein forms G2016E, G2021E, G2015E, G2018E.
Identifiers: ClinVar variation 585578 (VCV000585578.21), dbSNP rs772988279, ClinGen allele CA9239498.